The following is an entry in ClinVar:

ClinVar aggregate classification (germline): Uncertain significance (1 of 4 stars; one submission).

Submission:

GeneDx
Classification: Uncertain significance. Last evaluated: 2025-07-25. Review status: criteria provided, single submitter. Criteria: GeneDx Variant Classification Process June 2021. Collection method: clinical testing. Allele origin: germline. Affected: yes.
Comment: Not observed at significant frequency in large population cohorts (gnomAD); In silico analysis suggests that this missense variant does not alter protein structure/function; Has not been previously published as pathogenic or benign to our knowledge

NM_001042681.2(RERE):c.88A>G (p.Arg30Gly)

Gene: RERE (arginine-glutamic acid dipeptide repeats; minus strand). Cytogenetic location: 1p36.23.
Variant type: single nucleotide variant.
Coding change: c.88A>G on transcript NM_001042681.2 (MANE Select); coding-DNA position 88, A replaced by G.
Protein change: p.Arg30Gly; replaces arginine 30 with glycine.
Molecular consequence: missense variant.
Genome position (GRCh38, 1-based): chr1:8,656,210, T>C on the plus strand (A>G on the coding strand, the complement: RERE is on the minus strand). VCF-style: chr1-8656210-T-C. GRCh37 (hg19) VCF-style: chr1-8716269-T-C.
Other names: c.88A>G, p.Arg30Gly (NM_012102.4); short protein forms R30G.
Identifiers: ClinVar variation 4690011 (VCV004690011.1).